The following is an entry in ClinVar:

NM_002473.6(MYH9):c.1578C>G (p.Ala526=)

Gene: MYH9 (myosin heavy chain 9; minus strand). Cytogenetic location: 22q12.3.
Variant type: single nucleotide variant.
Coding change: c.1578C>G on transcript NM_002473.6 (MANE Select); coding-DNA position 1578, C replaced by G.
Protein change: p.Ala526=; no amino-acid change (alanine 526 retained).
Molecular consequence: synonymous variant.
Genome position (GRCh38, 1-based): chr22:36,312,199, G>C on the plus strand (C>G on the coding strand, the complement: MYH9 is on the minus strand). VCF-style: chr22-36312199-G-C. GRCh37 (hg19) VCF-style: chr22-36708244-G-C.
Other names: c.1578C>G (NM_002473.5).
Identifiers: ClinVar variation 341525 (VCV000341525.15), dbSNP rs201827299, ClinGen allele CA10210243.

ClinVar aggregate classification (germline): Conflicting classifications of pathogenicity. Review status: criteria provided, conflicting classifications (1 of 4 stars). 5 submissions from 4 submitters: Uncertain significance (1); Benign (1); Likely benign (2). 1 of the submissions does not count toward it. Last evaluated 2025-11-27.

Conditions:
Autosomal dominant nonsyndromic hearing loss 17. Also called: Deafness, autosomal dominant 17; Autosomal dominant nonsyndromic deafness 17. Identifiers: Orphanet 90635, MedGen C1863659, MONDO:0011350, OMIM 603622.
MYH9-related disorder. Identifiers: MedGen C1854520.

Allele frequency attached by ClinVar (database versions not stated): ExAC 0.00002; gnomAD exomes 0.00003 and 0.00017; gnomAD 0.00006; TOPMed 0.00007; 1000 Genomes Project 30x 0.00016; 1000 Genomes Project 0.00020.
gnomAD v4.1: 246 of 1,614,160 alleles (0.015%); highest among the groups gnomAD compares: Non-Finnish European, 0.021%; no homozygotes.

Submissions (5):

Labcorp Genetics (formerly Invitae), Labcorp
Classification: Likely benign. Last evaluated: 2025-11-27. Review status: criteria provided, single submitter. Criteria: Invitae Variant Classification Sherloc (09022015). Collection method: clinical testing. Allele origin: germline.

Blueprint Genetics
Classification: Likely benign. Last evaluated: 2024-10-10. Review status: criteria provided, single submitter. Criteria: ACMG Guidelines, 2015. Collection method: clinical testing. Allele origin: germline.

Illumina Laboratory Services, Illumina
Classification: Benign for MYH9-related disorder. Last evaluated: 2018-01-13. Review status: criteria provided, single submitter. Criteria: ICSL Variant Classification Criteria 13 December 2019. Collection method: clinical testing. Allele origin: germline.
Comment: This variant was observed in the ICSL laboratory as part of a predisposition screen in an ostensibly healthy population. It had not been previously curated by ICSL or reported in the Human Gene Mutation Database (HGMD: prior to June 1st, 2018), and was therefore a candidate for classification through an automated scoring system. Utilizing variant allele frequency, disease prevalence and penetrance estimates, and inheritance mode, an automated score was calculated to assess if this variant is too frequent to cause the disease. Based on the score and internal cut-off values, a variant classified as benign is not then subjected to further curation. The score for this variant resulted in a classification of benign for this disease.

Illumina Laboratory Services, Illumina
Classification: Uncertain significance for Autosomal dominant nonsyndromic hearing loss 17. Last evaluated: 2018-01-13. Review status: criteria provided, single submitter. Criteria: ICSL Variant Classification Criteria 13 December 2019. Collection method: clinical testing. Allele origin: germline.

PreventionGenetics, part of Exact Sciences
Classification: Likely benign for MYH9-related condition. Last evaluated: 2022-12-19. Review status: no assertion criteria provided. Collection method: clinical testing. Allele origin: germline. Not counted in ClinVar's aggregate classification.
Comment: This variant is classified as likely benign based on ACMG/AMP sequence variant interpretation guidelines (Richards et al. 2015 PMID: 25741868, with internal and published modifications).